The following is an entry in ClinVar:

ClinVar aggregate classification (germline): Uncertain significance (1 of 4 stars; one submission).

Conditions:
Hereditary nonpolyposis colorectal neoplasms. Identifiers: MedGen C0009405, MeSH D003123.

Submission:

Labcorp Genetics (formerly Invitae), Labcorp
Classification: Uncertain significance for Hereditary nonpolyposis colorectal neoplasms. Last evaluated: 2021-07-27. Review status: criteria provided, single submitter. Criteria: Invitae Variant Classification Sherloc (09022015). Collection method: clinical testing. Allele origin: germline.
Comment: In summary, the available evidence is currently insufficient to determine the role of this variant in disease. Therefore, it has been classified as a Variant of Uncertain Significance. Algorithms developed to predict the effect of missense changes on protein structure and function (SIFT, PolyPhen-2, Align-GVGD) all suggest that this variant is likely to be disruptive, but these predictions have not been confirmed by published functional studies and their clinical significance is uncertain. This variant has not been reported in the literature in individuals with MSH6-related conditions. This variant is not present in population databases (ExAC no frequency). This sequence change replaces leucine with proline at codon 7 of the MSH6 protein (p.Leu7Pro). The leucine residue is highly conserved and there is a moderate physicochemical difference between leucine and proline.

NM_000179.3(MSH6):c.20T>C (p.Leu7Pro)

Gene: MSH6 (mutS homolog 6; plus strand). Cytogenetic location: 2p16.3.
Variant type: single nucleotide variant.
Coding change: c.20T>C on transcript NM_000179.3 (MANE Select); coding-DNA position 20, T replaced by C.
Protein change: p.Leu7Pro; replaces leucine 7 with proline.
Molecular consequence: missense variant. On other transcripts: 5 prime UTR variant (1).
Genome position (GRCh38, 1-based): chr2:47,783,253, T>C. VCF-style: chr2-47783253-T-C. GRCh37 (hg19) VCF-style: chr2-48010392-T-C.
Other names: c.20T>C, p.Leu7Pro (NM_001281492.2); c.-717T>C (NM_001281493.2); short protein forms L7P.
Identifiers: ClinVar variation 1515909 (VCV001515909.8), dbSNP rs2103931561, ClinGen allele CA346734496.
Genomic context (GRCh38, chr2:47,783,253, plus strand): 5'-GCTCCGTCCGACAGAACGGTTGGGCCTTGCCGGCTGTCGGTATGTCGCGACAGAGCACCC[T>C]GTACAGCTTCTTCCCCAAGTCTCCGGCGCTGAGTGATGCCAACAAGGCCTCGGCCAGGGC-3'
Protein context (NP_000170.1, residues 1-17): MSRQST[Leu7Pro]YSFFPKSPAL